The following is an entry in ClinVar:

NM_001430.5(EPAS1):c.355A>G (p.Met119Val)

Gene: EPAS1 (endothelial PAS domain protein 1; plus strand). Cytogenetic location: 2p21.
Variant type: single nucleotide variant.
Coding change: c.355A>G on transcript NM_001430.5 (MANE Select); coding-DNA position 355, A replaced by G.
Protein change: p.Met119Val; replaces methionine 119 with valine.
Molecular consequence: missense variant.
Genome position (GRCh38, 1-based): chr2:46,356,288, A>G. VCF-style: chr2-46356288-A-G. GRCh37 (hg19) VCF-style: chr2-46583427-A-G.
Other names: short protein forms M119V.
Identifiers: ClinVar variation 1732674 (VCV001732674.3), dbSNP rs1684271101, ClinGen allele CA346697965.

ClinVar aggregate classification (germline): Uncertain significance (1 of 4 stars; one submission).

Conditions:
Inborn genetic diseases. Identifiers: MedGen C0950123, MeSH D030342.

Allele frequency attached by ClinVar (database versions not stated): TOPMed below 0.00001; gnomAD 0.00001.

Submission:

Ambry Genetics
Classification: Uncertain significance for Inborn genetic diseases. Last evaluated: 2024-06-14. Review status: criteria provided, single submitter. Criteria: Ambry Variant Classification Scheme 2023. Collection method: clinical testing. Allele origin: germline.
Comment: The p.M119V variant (also known as c.355A>G), located in coding exon 3 of the EPAS1 gene, results from an A to G substitution at nucleotide position 355. The methionine at codon 119 is replaced by valine, an amino acid with highly similar properties. This amino acid position is conserved. In addition, this alteration is predicted to be tolerated by in silico analysis. Since supporting evidence is limited at this time, the clinical significance of this alteration remains unclear.